The following is an entry in ClinVar:

NM_001243007.2(PROX2):c.1220A>G (p.Glu407Gly)

Gene: PROX2 (prospero homeobox 2; minus strand). Cytogenetic location: 14q24.3.
Variant type: single nucleotide variant.
Coding change: c.1220A>G on transcript NM_001243007.2 (MANE Select); coding-DNA position 1220, A replaced by G.
Protein change: p.Glu407Gly; replaces glutamic acid 407 with glycine.
Molecular consequence: missense variant. On other transcripts: non-coding transcript variant (1), intron variant (1).
Genome position (GRCh38, 1-based): chr14:74,862,615, T>C on the plus strand (A>G on the coding strand, the complement: PROX2 is on the minus strand). VCF-style: chr14-74862615-T-C. GRCh37 (hg19) VCF-style: chr14-75329318-T-C.
Other names: c.1220A>G, p.Glu407Gly (NM_001384314.1); c.732+488A>G (NM_001080408.3); short protein forms E407G.
Identifiers: ClinVar variation 774334 (VCV000774334.28), dbSNP rs78451431, ClinGen allele CA7272991.

ClinVar aggregate classification (germline): Benign. Review status: criteria provided, multiple submitters, no conflicts (2 of 4 stars). 3 submissions from 3 submitters: Benign (3). Last evaluated 2022-06-01.

Allele frequency attached by ClinVar (database versions not stated): gnomAD exomes 0.00413 and 0.00369; ESP Exome Variant Server 0.00217; 1000 Genomes Project 30x 0.00219; 1000 Genomes Project 0.00220; TOPMed 0.00223; gnomAD 0.00349 and 0.00364; ExAC 0.00396.

Submissions (3):

CeGaT Center for Human Genetics Tuebingen
Classification: Benign. Last evaluated: 2022-06-01. Review status: criteria provided, single submitter. Criteria: CeGaT Center For Human Genetics Tuebingen Variant Classification Criteria Version 2. Collection method: clinical testing. Allele origin: germline. Affected: yes. Observed: 1 variant allele.
Comment: PROX2: BP4, BS1, BS2

Labcorp Genetics (formerly Invitae), Labcorp
Classification: Benign. Last evaluated: 2018-04-03. Review status: criteria provided, single submitter. Criteria: Invitae Variant Classification Sherloc (09022015). Collection method: clinical testing. Allele origin: germline.

Breakthrough Genomics
Classification: Benign. Review status: criteria provided, single submitter. Criteria: ACMG Guidelines, 2015. Collection method: not provided. Allele origin: germline. Inheritance: Unknown mechanism. Affected: yes.